The following is an entry in ClinVar:

ClinVar aggregate classification (germline): Pathogenic/Likely pathogenic. Review status: criteria provided, multiple submitters, no conflicts (2 of 4 stars). 6 submissions from 6 submitters: Pathogenic (3); Likely pathogenic (3). Last evaluated 2025-05-21.

Conditions:
OCA2-related disorder. Also called: OCA2-related condition.
Tyrosinase-positive oculocutaneous albinism (OCA2). Also called: Albinism, oculocutaneous, type II; ALBINISM II; Oculocutaneous albinism type 2. Identifiers: Orphanet 79432, MedGen C0268495, MONDO:0008746, OMIM 203200.
SKIN/HAIR/EYE PIGMENTATION 1, BLUE/NONBLUE EYES (SHEP1). Also called: SKIN/HAIR/EYE PIGMENTATION 1, BLOND/BROWN HAIR; SKIN/HAIR/EYE PIGMENTATION 1, BLUE/BROWN EYES; BROWN EYE COLOR 2; EYE COLOR 3; EYE COLOR, BLUE/NONBLUE; EYE COLOR, BROWN/BLUE. Identifiers: MedGen C1856895, OMIM 227220.

Allele frequency attached by ClinVar (database versions not stated): ExAC 0.00002.
gnomAD v4.1: 16 of 1,614,040 alleles (0.00099%); highest among the groups gnomAD compares: Non-Finnish European, 0.0013%; no homozygotes.

Submissions (6):

Myriad Genetics, Inc.
Classification: Likely pathogenic for Tyrosinase-positive oculocutaneous albinism. Last evaluated: 2025-05-21. Review status: criteria provided, single submitter. Criteria: Myriad Autosomal Dominant, Autosomal Recessive and X-Linked Classification Criteria (2023). Collection method: clinical testing. Allele origin: unknown.
Comment: NM_000275.2(OCA2):c.1076G>A(G359D) is a missense variant classified as likely pathogenic in the context of oculocutaneous albinism, OCA2-related. G359D has been observed in cases with relevant disease (PMID: 37650133, 27734839). Relevant functional assessments of this variant are available in the literature (PMID: 37650133). G359D has been observed in referenced population frequency databases. In summary, NM_000275.2(OCA2):c.1076G>A(G359D) is a missense variant that has been observed more frequently in cases with the relevant disease than in healthy populations. Please note: this variant was assessed in the context of healthy population screening.

Labcorp Genetics (formerly Invitae), Labcorp
Classification: Pathogenic. Last evaluated: 2025-02-27. Review status: criteria provided, single submitter. Criteria: Invitae Variant Classification Sherloc (09022015). Collection method: clinical testing. Allele origin: germline.
Comment: This sequence change replaces glycine, which is neutral and non-polar, with aspartic acid, which is acidic and polar, at codon 359 of the OCA2 protein (p.Gly359Asp). This variant is present in population databases (rs200398581, gnomAD 0.002%). This missense change has been observed in individuals with oculocutaneous albinism (PMID: 27734839). ClinVar contains an entry for this variant (Variation ID: 1451123). Invitae Evidence Modeling of protein sequence and biophysical properties (such as structural, functional, and spatial information, amino acid conservation, physicochemical variation, residue mobility, and thermodynamic stability) indicates that this missense variant is expected to disrupt OCA2 protein function with a positive predictive value of 95%. For these reasons, this variant has been classified as Pathogenic.

Baylor Genetics
Classification: Pathogenic for SKIN/HAIR/EYE PIGMENTATION 1, BLUE/NONBLUE EYES. Last evaluated: 2023-09-25. Review status: criteria provided, single submitter. Criteria: ACMG Guidelines, 2015. Collection method: clinical testing. Allele origin: unknown.

Blueprint Genetics
Classification: Pathogenic for OCA2-related disorders. Last evaluated: 2021-11-07. Review status: criteria provided, single submitter. Criteria: ACMG Guidelines, 2015. Collection method: clinical testing. Allele origin: germline. Affected: yes. Observed: 4 variant alleles.

Laboratoire de Génétique Moléculaire, CHU Bordeaux
Classification: Likely pathogenic for Tyrosinase-positive oculocutaneous albinism. Review status: criteria provided, single submitter. Criteria: ACMG Guidelines, 2015. Collection method: clinical testing. Allele origin: germline. Affected: yes.

Neuberg Centre For Genomic Medicine, NCGM
Classification: Likely pathogenic for Tyrosinase-positive oculocutaneous albinism. Review status: criteria provided, single submitter. Criteria: ACMG Guidelines, 2015. Collection method: clinical testing. Allele origin: germline. Inheritance: Autosomal recessive inheritance. Affected: yes.
Comment: The missense c.1076G>Ap.Gly359Asp variant in OCA2 gene has been reported previously in homozygous and compound heterozygous states in individuals affected with oculocutaneous albinism Mauri L, et al., 2017. The p.Gly359Asp variant has been reported with allele frequency of 0.0008% in gnomAD Exomes and is novel not in any individuals in 1000 Genomes. This variant has been reported to the ClinVar database as Likely Pathogenic / Pathogenic. The amino acid change p.Gly359Asp in OCA2 is predicted as conserved by GERP++ and PhyloP across 100 vertebrates. The amino acid Gly at position 359 is changed to a Asp changing protein sequence and it might alter its composition and physico-chemical properties. Additional functional studies will be required to prove the pathogencity of this variant. For these reasons, this variant has been classified as Likely Pathogenic.

Literature cited by the submitters: PubMed 27734839 (cited by Myriad Genetics, Inc. and Labcorp Genetics (formerly Invitae), Labcorp); PubMed 37650133 (cited by Myriad Genetics, Inc.).

NM_000275.3(OCA2):c.1076G>A (p.Gly359Asp)

Gene: OCA2 (OCA2 melanosomal transmembrane protein; minus strand). Cytogenetic location: 15q13.1.
Variant type: single nucleotide variant.
Coding change: c.1076G>A on transcript NM_000275.3 (MANE Select); coding-DNA position 1076, G replaced by A.
Protein change: p.Gly359Asp; replaces glycine 359 with aspartic acid.
Molecular consequence: missense variant. On other transcripts: intron variant (1).
Genome position (GRCh38, 1-based): chr15:27,990,616, C>T on the plus strand (G>A on the coding strand, the complement: OCA2 is on the minus strand). VCF-style: chr15-27990616-C-T. GRCh37 (hg19) VCF-style: chr15-28235762-C-T.
Other names: c.1045-950G>A (NM_001300984.2); short protein forms G359D.
Identifiers: ClinVar variation 1451123 (VCV001451123.10), dbSNP rs200398581, ClinGen allele CA7439225.